The following is an entry in ClinVar:

NM_001370348.2(PHF3):c.2992A>T (p.Lys998Ter)

Gene: PHF3 (PHD finger protein 3; plus strand). Cytogenetic location: 6q12.
Variant type: single nucleotide variant.
Coding change: c.2992A>T on transcript NM_001370348.2 (MANE Select); coding-DNA position 2992, A replaced by T.
Protein change: p.Lys998Ter; replaces lysine 998 with a stop codon.
Molecular consequence: nonsense.
Genome position (GRCh38, 1-based): chr6:63,700,359, A>T. VCF-style: chr6-63700359-A-T. GRCh37 (hg19) VCF-style: chr6-64410249-A-T.
Other names: c.2728A>T, p.Lys910Ter (NM_001290259.2, NM_001370349.2); c.799A>T, p.Lys267Ter (NM_001370350.2); c.2992A>T, p.Lys998Ter (NM_015153.4); short protein forms K910*, K998*, K267*.
Identifiers: ClinVar variation 4988054 (VCV004988054.1).
Genomic context (GRCh38, chr6:63,700,359, plus strand): 5'-CCACTCAAAATGTTTGTCTCCCCTTCTATTCCTATTTTAAAATCCTTCCAGATATTATTT[A>T]AAAAAGTACTGAAAGGAGAAGTAACTCCTGATCATCTTATCAGAATGAGTCCAGAAGAAC-3'

ClinVar aggregate classification (germline): Uncertain significance (1 of 4 stars; one submission).

Conditions:
PHF3-related disorder. Also called: PHF3-related condition.

gnomAD v4.1: 1 of 1,523,638 alleles (0.000066%); highest among the groups gnomAD compares: Non-Finnish European, 0.00009%; no homozygotes.

Submission:

PreventionGenetics, part of Exact Sciences
Classification: Uncertain significance for PHF3-related condition. Last evaluated: 2024-12-14. Review status: criteria provided, single submitter. Criteria: ACMG Guidelines, 2015. Collection method: clinical testing. Allele origin: germline.
Comment: The PHF3 c.2992A>T variant is predicted to result in premature protein termination (p.Lys998*). To our knowledge, this variant has not been reported in the literature or in a large population database (gnomAD), indicating this variant is rare. Although we suspect that this variant may be pathogenic, at this time, the clinical significance of this variant is uncertain due to the absence of conclusive functional and genetic evidence.